The following is an entry in ClinVar:

ClinVar aggregate classification (germline): Uncertain significance (1 of 4 stars; one submission).

Allele frequency attached by ClinVar (database versions not stated): gnomAD 0.00004; TOPMed 0.00004.
gnomAD v4.1: 9 of 1,613,652 alleles (0.00056%); highest among the groups gnomAD compares: Non-Finnish European, 0.00068%; no homozygotes.

Submission:

Laboratory for Molecular Medicine, Mass General Brigham Personalized Medicine
Classification: Uncertain significance. Last evaluated: 2015-08-17. Review status: criteria provided, single submitter. Criteria: LMM Criteria. Collection method: clinical testing. Allele origin: germline. Observed: 1 variant allele.
Comment: The c.*5G>C variant in ABCC9 has not been previously reported in individuals wit h cardiomyopathy or large population studies. This variant occurs in the 3' UTR and its impact is unclear. In summary, the clinical significance of the c.*5G>C variant is uncertain.

NM_020297.4(ABCC9):c.*5G>C

Genes: ABCC9 (ATP binding cassette subfamily C member 9; minus strand), KCNJ8-AS1 (KCNJ8 antisense RNA 1; plus strand). Cytogenetic location: 12p12.1.
Variant type: single nucleotide variant.
Coding change: c.*5G>C on transcript NM_020297.4 (MANE Select); 5 bases downstream of the stop codon, G replaced by C.
Molecular consequence: 3 prime UTR variant.
Genome position (GRCh38, 1-based): chr12:21,801,039, C>G on the plus strand (G>C on the coding strand, the complement: ABCC9 is on the minus strand). VCF-style: chr12-21801039-C-G. GRCh37 (hg19) VCF-style: chr12-21953973-C-G.
Other names: c.*5G>C (NM_001377273.1, NM_001377274.1); c.*181G>C (NM_005691.4).
Identifiers: ClinVar variation 228424 (VCV000228424.4), dbSNP rs876657736, ClinGen allele CA10576912.